The following is an entry in ClinVar:

ClinVar aggregate classification (germline): Uncertain significance. Review status: criteria provided, multiple submitters, no conflicts (2 of 4 stars). 3 submissions from 3 submitters: Uncertain significance (2). 1 of the submissions does not count toward it. Last evaluated 2024-04-01.

Conditions:
Bardet-Biedl syndrome (BBS). Identifiers: Orphanet 110, MedGen C0752166, MONDO:0015229.
Bardet-Biedl syndrome 12 (BBS12). Identifiers: Orphanet 110, MedGen C1859570, MONDO:0014440, OMIM 615989.

Submissions (3):

Fulgent Genetics
Classification: Uncertain significance for Bardet-Biedl syndrome 12. Last evaluated: 2024-04-01. Review status: criteria provided, single submitter. Criteria: ACMG Guidelines, 2015. Collection method: clinical testing. Allele origin: germline.

Labcorp Genetics (formerly Invitae), Labcorp
Classification: Uncertain significance for Bardet-Biedl syndrome. Last evaluated: 2022-03-29. Review status: criteria provided, single submitter. Criteria: Invitae Variant Classification Sherloc (09022015). Collection method: clinical testing. Allele origin: germline.
Comment: This sequence change replaces valine, which is neutral and non-polar, with isoleucine, which is neutral and non-polar, at codon 7 of the BBS12 protein (p.Val7Ile). This variant is present in population databases (no rsID available, gnomAD 0.0009%). This variant has not been reported in the literature in individuals affected with BBS12-related conditions. ClinVar contains an entry for this variant (Variation ID: 965999). Algorithms developed to predict the effect of missense changes on protein structure and function output the following: SIFT: "Deleterious"; PolyPhen-2: "Benign"; Align-GVGD: "Class C0". The isoleucine amino acid residue is found in multiple mammalian species, which suggests that this missense change does not adversely affect protein function. In summary, the available evidence is currently insufficient to determine the role of this variant in disease. Therefore, it has been classified as a Variant of Uncertain Significance.

Natera, Inc.
Classification: Uncertain significance for Bardet-Biedl syndrome type 12. Last evaluated: 2020-08-16. Review status: no assertion criteria provided. Collection method: clinical testing. Allele origin: germline. Not counted in ClinVar's aggregate classification.

NM_152618.3(BBS12):c.19G>A (p.Val7Ile)

Gene: BBS12 (Bardet-Biedl syndrome 12; plus strand). Cytogenetic location: 4q27.
Variant type: single nucleotide variant.
Coding change: c.19G>A on transcript NM_152618.3 (MANE Select); coding-DNA position 19, G replaced by A.
Protein change: p.Val7Ile; replaces valine 7 with isoleucine.
Molecular consequence: missense variant.
Genome position (GRCh38, 1-based): chr4:122,741,911, G>A. VCF-style: chr4-122741911-G-A. GRCh37 (hg19) VCF-style: chr4-123663066-G-A.
Other names: c.19G>A, p.Val7Ile (NM_001178007.2); short protein forms V7I.
Identifiers: ClinVar variation 965999 (VCV000965999.5), dbSNP rs1464814059, ClinGen allele CA358222018.